The following is an entry in ClinVar:

NM_018979.4(WNK1):c.515T>C (p.Val172Ala)

Gene: WNK1 (WNK lysine deficient protein kinase 1; plus strand). Cytogenetic location: 12p13.33.
Variant type: single nucleotide variant.
Coding change: c.515T>C on transcript NM_018979.4 (MANE Select); coding-DNA position 515, T replaced by C.
Protein change: p.Val172Ala; replaces valine 172 with alanine.
Molecular consequence: missense variant.
Genome position (GRCh38, 1-based): chr12:754,080, T>C. VCF-style: chr12-754080-T-C. GRCh37 (hg19) VCF-style: chr12-863246-T-C.
Other names: c.515T>C, p.Val172Ala (NM_001184985.2, NM_014823.3, NM_213655.5); short protein forms V172A.
Identifiers: ClinVar variation 945194 (VCV000945194.8), dbSNP rs772520982, ClinGen allele CA6381804.

ClinVar aggregate classification (germline): Uncertain significance. Review status: criteria provided, multiple submitters, no conflicts (2 of 4 stars). 2 submissions from 2 submitters: Uncertain significance (2). Last evaluated 2024-05-12.

Conditions:
Neuropathy, hereditary sensory and autonomic, type 2A (HSAN2A). Also called: MORVAN DISEASE; NEUROPATHY, CONGENITAL SENSORY; NEUROPATHY, HEREDITARY SENSORY RADICULAR, AUTOSOMAL RECESSIVE; NEUROPATHY, HEREDITARY SENSORY, TYPE IIA; NEUROPATHY, PROGRESSIVE SENSORY, OF CHILDREN; WNK1-Related HSAN2 (HSAN2A). Identifiers: Orphanet 970, MedGen C2752089, MONDO:0024309, OMIM 201300.
Pseudohypoaldosteronism type 2C (PHA2C). Also called: Pseudohypoaldosteronism Type IIC. Identifiers: Orphanet 757, Orphanet 88940, MedGen C1840391, MONDO:0013778, OMIM 614492.

Allele frequency attached by ClinVar (database versions not stated): ExAC 0.00001; gnomAD exomes 0.00001.
gnomAD v4.1: 21 of 1,608,812 alleles (0.0013%); highest among the groups gnomAD compares: Non-Finnish European, 0.0017%; no homozygotes.

Submissions (2):

Fulgent Genetics
Classification: Uncertain significance for Neuropathy, hereditary sensory and autonomic, type 2A; Pseudohypoaldosteronism type 2C. Last evaluated: 2024-05-12. Review status: criteria provided, single submitter. Criteria: ACMG Guidelines, 2015. Collection method: clinical testing. Allele origin: germline.

Labcorp Genetics (formerly Invitae), Labcorp
Classification: Uncertain significance for Neuropathy, hereditary sensory and autonomic, type 2A; Pseudohypoaldosteronism type 2C. Last evaluated: 2021-11-30. Review status: criteria provided, single submitter. Criteria: Invitae Variant Classification Sherloc (09022015). Collection method: clinical testing. Allele origin: germline.
Comment: This sequence change replaces valine, which is neutral and non-polar, with alanine, which is neutral and non-polar, at codon 172 of the WNK1 protein (p.Val172Ala). In summary, the available evidence is currently insufficient to determine the role of this variant in disease. Therefore, it has been classified as a Variant of Uncertain Significance. Advanced modeling of protein sequence and biophysical properties (such as structural, functional, and spatial information, amino acid conservation, physicochemical variation, residue mobility, and thermodynamic stability) performed at Invitae indicates that this missense variant is not expected to disrupt WNK1 protein function. ClinVar contains an entry for this variant (Variation ID: 945194). This variant has not been reported in the literature in individuals affected with WNK1-related conditions. This variant is present in population databases (rs772520982, gnomAD 0.003%).